The following is an entry in ClinVar:

NM_000169.3(GLA):c.406G>T (p.Asp136Tyr)

Genes: GLA (galactosidase alpha; minus strand), RPL36A-HNRNPH2 (RPL36A-HNRNPH2 readthrough; plus strand). Cytogenetic location: Xq22.1.
Variant type: single nucleotide variant.
Coding change: c.406G>T on transcript NM_000169.3 (MANE Select); coding-DNA position 406, G replaced by T.
Protein change: p.Asp136Tyr; replaces aspartic acid 136 with tyrosine.
Molecular consequence: missense variant. On other transcripts: non-coding transcript variant (3), intron variant (2).
Genome position (GRCh38, 1-based): chrX:101,401,773, C>A on the plus strand (G>T on the coding strand, the complement: GLA is on the minus strand). VCF-style: chrX-101401773-C-A. GRCh37 (hg19) VCF-style: chrX-100656761-C-A.
Other names: c.529G>T, p.Asp177Tyr (NM_001406747.1, NM_001406749.1); c.406G>T, p.Asp136Tyr (NM_001406748.1); c.300+6316C>A (NM_001199973.2); c.177+9951C>A (NM_001199974.2); short protein forms D136Y, D177Y.
Identifiers: ClinVar variation 928956 (VCV000928956.3), dbSNP rs1928326804, ClinGen allele CA413930525.

ClinVar aggregate classification (germline): Pathogenic. Review status: criteria provided, multiple submitters, no conflicts (2 of 4 stars). 2 submissions from 2 submitters: Pathogenic (2). Last evaluated 2026-09-08.

Conditions:
Fabry disease. Also called: Fabry's disease; ANDERSON-FABRY DISEASE; CERAMIDE TRIHEXOSIDASE DEFICIENCY; Angiokeratoma corporis diffusum; GLA DEFICIENCY; HEREDITARY DYSTOPIC LIPIDOSIS. Identifiers: Orphanet 324, MedGen C0002986, MONDO:0010526, OMIM 301500, HP:0001071. Disease mechanism: loss of function, Fabry disease is due to inactivating mutations in the X-linked GLA gene resulting in deficiency of the enzyme Alpha Galactosidase-A..

Submissions (2):

Genomenon, Inc
Classification: Pathogenic for Fabry disease. Last evaluated: 2026-09-08. Review status: criteria provided, single submitter. Criteria: Genomenon Sequence Variant Interpretation Standards - Updated. Collection method: curation. Allele origin: germline. Affected: yes.
Comment: GLA p.Asp136Tyr (c.406G>T) is a missense variant that changes the amino acid at codon 136 from Aspartic acid to Tyrosine. This variant has been observed in at least one proband with clinical features consistent with Fabry disease (PMID:17206462;23566439). The variant was found to segregate with disease in at least one affected family (PMID:17206462). At least one functional study has demonstrated a substantial alteration in protein function relative to the wild-type (PMID:27657681). This variant is located in a mutational hotspot and/or important functional domain. It is absent or not present at a significant frequency in gnomAD. In silico models predict that this variant is possibly or probably damaging. In conclusion, we classify GLA p.Asp136Tyr (c.406G>T) as a pathogenic variant.

Women's Health and Genetics/Laboratory Corporation of America, LabCorp
Classification: Pathogenic for Fabry disease. Last evaluated: 2019-06-19. Review status: criteria provided, single submitter. Criteria: LabCorp Variant Classification Summary - May 2015. Collection method: clinical testing. Allele origin: germline.
Comment: Variant summary: GLA c.406G>T (p.Asp136Tyr) results in a non-conservative amino acid change in the encoded protein sequence. Five of five in-silico tools predict a damaging effect of the variant on protein function. The variant was absent in 183470 control chromosomes (gnomAD). c.406G>T has been reported in the literature in a large family with multiple individuals affected with Fabry Disease (Vedder_2007, Aerts_2007). Residual activity was found to be 0% (Vedder_2007). No clinical diagnostic laboratories have submitted clinical-significance assessments for this variant to ClinVar after 2014. Based on the evidence outlined above, the variant was classified as pathogenic.

Literature cited by the submitters: PubMed 17206462 (cited by Genomenon, Inc and Women's Health and Genetics/Laboratory Corporation of America, LabCorp); PubMed 23566439 (cited by Genomenon, Inc); PubMed 27657681 (cited by Genomenon, Inc); PubMed 18287059 (cited by Women's Health and Genetics/Laboratory Corporation of America, LabCorp).